The following is an entry in ClinVar:

ClinVar aggregate classification (germline): Uncertain significance (1 of 4 stars; one submission).

Conditions:
PCNT-related disorder. Also called: PCNT-related condition.

gnomAD v4.1: 8 of 1,613,940 alleles (0.0005%); highest among the groups gnomAD compares: African/African-American, 0.0053%; no homozygotes.

Submission:

PreventionGenetics, part of Exact Sciences
Classification: Uncertain significance for PCNT-related condition. Last evaluated: 2025-05-05. Review status: criteria provided, single submitter. Criteria: ACMG Guidelines, 2015. Collection method: clinical testing. Allele origin: germline.
Comment: The PCNT c.8103C>G variant is predicted to result in the amino acid substitution p.Ser2701Arg. To our knowledge, this variant has not been reported in the literature. This variant has been reported in 1 heterozygous individual within the ‘other’ subpopulation in gnomAD. At this time, the clinical significance of this variant is uncertain due to the absence of conclusive functional and genetic evidence.

NM_006031.6(PCNT):c.8103C>G (p.Ser2701Arg)

Gene: PCNT (pericentrin; plus strand). Cytogenetic location: 21q22.3.
Variant type: single nucleotide variant.
Coding change: c.8103C>G on transcript NM_006031.6 (MANE Select); coding-DNA position 8103, C replaced by G.
Protein change: p.Ser2701Arg; replaces serine 2701 with arginine.
Molecular consequence: missense variant.
Genome position (GRCh38, 1-based): chr21:46,431,567, C>G. VCF-style: chr21-46431567-C-G. GRCh37 (hg19) VCF-style: chr21-47851481-C-G.
Other names: c.7749C>G, p.Ser2583Arg (NM_001315529.2); short protein forms S2583R, S2701R.
Identifiers: ClinVar variation 4980171 (VCV004980171.1).
Genomic context (GRCh38, chr21:46,431,567, plus strand): 5'-ATCGTATGTGTTTGCTGTCTAGGAGCTGCGGGCGTCTTTGGAGACACAGCGTGCTCAGAG[C>G]AGTCGACTCTGCGTGGCACTGAAACACGAGCAGACGGCCAAGGACAACCTGCAGAAGGAG-3'
Protein context (NP_006022.3, residues 2691-2711): RASLETQRAQ[Ser2701Arg]SRLCVALKHE